The following is an entry in ClinVar:

ClinVar aggregate classification (germline): Pathogenic (1 of 4 stars; one submission).

Conditions:
Hereditary breast ovarian cancer syndrome. Also called: Hereditary breast and ovarian cancer; Breast and ovarian cancer; Hereditary breast and/or ovarian cancer syndrome; Hereditary breast and ovarian cancer syndrome; Hereditary breast and ovarian cancer syndrome (HBOC); BRCA1- and BRCA2-Associated Hereditary Breast and Ovarian Cancer. Identifiers: Orphanet 145, MedGen C0677776, MeSH D061325, MONDO:0003582. Disease mechanism: loss of function.

Submission:

Labcorp Genetics (formerly Invitae), Labcorp
Classification: Pathogenic for Hereditary breast ovarian cancer syndrome. Last evaluated: 2019-03-06. Review status: criteria provided, single submitter. Criteria: Invitae Variant Classification Sherloc (09022015). Collection method: clinical testing. Allele origin: germline.
Comment: This variant has not been reported in the literature in individuals with BRCA1-related conditions. For these reasons, this variant has been classified as Pathogenic. Loss-of-function variants in BRCA1 are known to be pathogenic (PMID: 20104584). This variant is not present in population databases (ExAC no frequency). This sequence change creates a premature translational stop signal (p.Pro1078Glufs*5) in the BRCA1 gene. It is expected to result in an absent or disrupted protein product.

Literature cited by the submitters: PubMed 20104584.

NM_007294.4(BRCA1):c.3231_3238del (p.Pro1078fs)

Genes: BRCA1 (BRCA1 DNA repair associated; minus strand), LOC126862571 (BRD4-independent group 4 enhancer GRCh37_chr17:41243136-41244335; plus strand). Cytogenetic location: 17q21.31.
Variant type: Deletion.
Coding change: c.3231_3238del on transcript NM_007294.4 (MANE Select); coding-DNA positions 3231 to 3238, 8 bases deleted (GCCAAAAT; older notation c.3231_3238delGCCAAAAT).
Protein change: p.Pro1078fs; shifts the reading frame from proline 1078.
Molecular consequence: frameshift variant. On other transcripts: intron variant (137).
Genome position (GRCh38, 1-based): chr17:43,092,293-43,092,300, ATTTTGGC deleted on the plus strand (GCCAAAAT on the coding strand, the reverse complement: BRCA1 is on the minus strand). VCF-style (leftmost placement, unchanged base first): chr17-43092292-AATTTTGGC-A. GRCh37 (hg19) VCF-style: chr17-41244309-AATTTTGGC-A.
Other names: c.668-1268_668-1261del (NM_001408421.1, NM_001408431.1, NM_001408424.1); c.785-1268_785-1261del (NM_001407991.1, NM_001408407.1, NM_001408402.1 and 13 more transcripts); c.665-1268_665-1261del (NM_001408427.1, NM_001408443.1, NM_001408439.1 and 12 more transcripts); c.524-1268_524-1261del (NM_001408496.1, NM_001408499.1, NM_001408498.1 and 3 more transcripts); c.647-1268_647-1261del (NM_001408460.1, NM_001408454.1, NM_001408456.1 and 11 more transcripts); c.707-1268_707-1261del (NM_001408413.1, NM_001408416.1); c.587-1268_587-1261del (NM_001408476.1, NM_001408474.1); c.710-1268_710-1261del (NM_001408409.1, NM_001408414.1, NM_001408411.1 and 2 more transcripts); and 42 more; short protein forms P1078fs, P1031fs, P1030fs, P1037fs, P782fs, P910fs, P950fs, P1010fs.
Identifiers: ClinVar variation 860123 (VCV000860123.9), dbSNP rs2053622241, ClinGen allele CA916080041.